The following is an entry in ClinVar:

ClinVar aggregate classification (germline): Uncertain significance (1 of 4 stars; one submission).

Submission:

Labcorp Genetics (formerly Invitae), Labcorp
Classification: Uncertain significance. Last evaluated: 2022-04-30. Review status: criteria provided, single submitter. Criteria: Invitae Variant Classification Sherloc (09022015). Collection method: clinical testing. Allele origin: germline.
Comment: In summary, the available evidence is currently insufficient to determine the role of this variant in disease. Therefore, it has been classified as a Variant of Uncertain Significance. Algorithms developed to predict the effect of missense changes on protein structure and function output the following: SIFT: "Tolerated"; PolyPhen-2: "Benign"; Align-GVGD: "Class C0". The isoleucine amino acid residue is found in multiple mammalian species, which suggests that this missense change does not adversely affect protein function. This variant has not been reported in the literature in individuals affected with PIGV-related conditions. This variant is not present in population databases (gnomAD no frequency). This sequence change replaces valine, which is neutral and non-polar, with isoleucine, which is neutral and non-polar, at codon 210 of the PIGV protein (p.Val210Ile).

NM_017837.4(PIGV):c.628G>A (p.Val210Ile)

Gene: PIGV (phosphatidylinositol glycan anchor biosynthesis class V; plus strand). Cytogenetic location: 1p36.11.
Variant type: single nucleotide variant.
Coding change: c.628G>A on transcript NM_017837.4 (MANE Select); coding-DNA position 628, G replaced by A.
Protein change: p.Val210Ile; replaces valine 210 with isoleucine.
Molecular consequence: missense variant. On other transcripts: non-coding transcript variant (1), intron variant (3).
Genome position (GRCh38, 1-based): chr1:26,794,662, G>A. VCF-style: chr1-26794662-G-A. GRCh37 (hg19) VCF-style: chr1-27121153-G-A.
Other names: c.628G>A, p.Val210Ile (NM_001202554.2, NM_001374478.1, NM_001374480.1 and 2 more transcripts); c.247G>A, p.Val83Ile (NM_001374483.1); c.173-172G>A (NM_001374484.1, NM_001374485.1); c.79-2901G>A (NM_001374486.1); short protein forms V83I, V210I.
Identifiers: ClinVar variation 2132103 (VCV002132103.4), dbSNP rs2081356733, ClinGen allele CA339200144.